The following is an entry in ClinVar:

NM_002472.3(MYH8):c.578G>A (p.Arg193His)

Genes: MYH8 (myosin heavy chain 8; minus strand), MYHAS (myosin heavy chain gene cluster antisense RNA; plus strand). Cytogenetic location: 17p13.1.
Variant type: single nucleotide variant.
Coding change: c.578G>A on transcript NM_002472.3 (MANE Select); coding-DNA position 578, G replaced by A.
Protein change: p.Arg193His; replaces arginine 193 with histidine.
Molecular consequence: missense variant.
Genome position (GRCh38, 1-based): chr17:10,415,542, C>T on the plus strand (G>A on the coding strand, the complement: MYH8 is on the minus strand). VCF-style: chr17-10415542-C-T. GRCh37 (hg19) VCF-style: chr17-10318859-C-T.
Other names: short protein forms R193H.
Identifiers: ClinVar variation 321655 (VCV000321655.39), dbSNP rs145863180, ClinGen allele CA8388313.

ClinVar aggregate classification (germline): Conflicting classifications of pathogenicity. Review status: criteria provided, conflicting classifications (1 of 4 stars). 6 submissions from 6 submitters: Uncertain significance (1); Benign (1); Likely benign (4). Last evaluated 2026-06-26.

Conditions:
MYH8-related disorder. Also called: MYH8-related condition.
Hecht syndrome (DA7). Also called: MOUTH, INABILITY TO OPEN COMPLETELY, AND SHORT FINGER-FLEXOR TENDONS; Dutch-Kentucky syndrome. Identifiers: Orphanet 3377, MedGen C0265226, MONDO:0008016, OMIM 158300. Disease mechanism: gain of function.

Allele frequency attached by ClinVar (database versions not stated): TOPMed 0.00045; gnomAD 0.00051 and 0.00052; ESP Exome Variant Server 0.00077.
gnomAD v4.1: 1,046 of 1,614,190 alleles (0.065%); highest among the groups gnomAD compares: South Asian, 0.089%; 2 homozygotes.

Submissions (6):

PreventionGenetics, part of Exact Sciences
Classification: Likely benign for MYH8-related condition. Last evaluated: 2026-06-26. Review status: criteria provided, single submitter. Criteria: ACMG Guidelines, 2015. Collection method: clinical testing. Allele origin: germline.
Comment: This variant is classified as likely benign based on ACMG/AMP sequence variant interpretation guidelines (Richards et al. 2015 PMID: 25741868, with internal and published modifications).

CeGaT Center for Human Genetics Tuebingen
Classification: Likely benign. Last evaluated: 2022-05-01. Review status: criteria provided, single submitter. Criteria: CeGaT Center For Human Genetics Tuebingen Variant Classification Criteria Version 2. Collection method: clinical testing. Allele origin: germline. Affected: yes. Observed: 1 variant allele.
Comment: MYH8: BS1

GeneDx
Classification: Likely benign. Last evaluated: 2021-05-27. Review status: criteria provided, single submitter. Criteria: GeneDx Variant Classification Process June 2021. Collection method: clinical testing. Allele origin: germline. Affected: yes.
Comment: Has not been previously published as pathogenic or benign to our knowledge; In silico analysis supports that this missense variant has a deleterious effect on protein structure/function

Labcorp Genetics (formerly Invitae), Labcorp
Classification: Benign. Last evaluated: 2018-05-25. Review status: criteria provided, single submitter. Criteria: Invitae Variant Classification Sherloc (09022015). Collection method: clinical testing. Allele origin: germline.

Illumina Laboratory Services, Illumina
Classification: Uncertain significance for Hecht syndrome. Last evaluated: 2018-01-12. Review status: criteria provided, single submitter. Criteria: ICSL Variant Classification Criteria 13 December 2019. Collection method: clinical testing. Allele origin: germline.

Genetic Services Laboratory, University of Chicago
Classification: Likely benign. Last evaluated: 2017-02-01. Review status: criteria provided, single submitter. Criteria: ACMG Guidelines, 2015. Collection method: clinical testing. Allele origin: germline. Affected: no.